The following is an entry in ClinVar:

ClinVar aggregate classification (germline): Uncertain significance (1 of 4 stars; one submission).

Submission:

Labcorp Genetics (formerly Invitae), Labcorp
Classification: Uncertain significance. Last evaluated: 2025-08-02. Review status: criteria provided, single submitter. Criteria: Invitae Variant Classification Sherloc (09022015). Collection method: clinical testing. Allele origin: germline.
Comment: This variant, c.4_6del, results in the deletion of 1 amino acid(s) of the SKIV2L protein (p.Met2del), but otherwise preserves the integrity of the reading frame. This variant is not present in population databases (gnomAD no frequency). This variant has not been reported in the literature in individuals affected with SKIV2L-related conditions. Experimental studies and prediction algorithms are not available or were not evaluated, and the functional significance of this variant is currently unknown. In summary, the available evidence is currently insufficient to determine the role of this variant in disease. Therefore, it has been classified as a Variant of Uncertain Significance.

NM_006929.5(SKIC2):c.1ATG[1] (p.Met2del)

Gene: SKIC2 (SKI2 subunit of superkiller complex; plus strand). Cytogenetic location: 6p21.33.
Variant type: Microsatellite.
Coding change: c.1ATG[1] on transcript NM_006929.5 (MANE Select); one copy of the 3-base unit ATG starting at c.1; the reference has two copies in a row; one copy, 3 bases deleted.
Protein change: p.Met2del; deletes methionine 2.
Molecular consequence: initiator codon variant.
Genome position (GRCh38, 1-based): chr6:31,959,196-31,959,198, ATG deleted; deleting any 3 consecutive bases within chr6:31,959,192-31,959,198 gives the same sequence; the position shown is the placement nearest the transcript's 3' end. VCF-style (leftmost placement, unchanged base first): chr6-31959191-GGAT-G. GRCh37 (hg19) VCF-style: chr6-31926968-GGAT-G.
Other names: short protein forms M2del.
Identifiers: ClinVar variation 4769100 (VCV004769100.1).
Genomic context (GRCh38, chr6:31,959,191, plus strand): 5'-CTTACTTCGCAGCGACTACTTGCCGCACTTCCGGGCTGCCAGGCAGCTGCTGTGGCTCCA[GGAT>G]GATGGAGACAGAGCGACTTGGTGAGGGGGAGGGGAGGGAAATGGAACGGAGTAGCCGATA-3'